The following is an entry in ClinVar:

ClinVar aggregate classification (germline): Uncertain significance. Review status: criteria provided, multiple submitters, no conflicts (2 of 4 stars). 3 submissions from 3 submitters: Uncertain significance (3). Last evaluated 2026-06-01.

Conditions:
Inborn genetic diseases. Identifiers: MedGen C0950123, MeSH D030342.
TH-deficient dopa-responsive dystonia. Also called: Tyrosine Hydroxylase-Deficient Dopa-Responsive Dystonia; Segawa syndrome, autosomal recessive; DYT-TH. Identifiers: Orphanet 101150, MedGen C2673535, MONDO:0011551, OMIM 605407.

Allele frequency attached by ClinVar (database versions not stated): gnomAD exomes 0.00002; ExAC 0.00003; TOPMed 0.00003; gnomAD 0.00004.
gnomAD v4.1: 42 of 1,498,252 alleles (0.0028%); highest among the groups gnomAD compares: Non-Finnish European, 0.0031%; no homozygotes.

Submissions (3):

CeGaT Center for Human Genetics Tuebingen
Classification: Uncertain significance. Last evaluated: 2026-06-01. Review status: criteria provided, single submitter. Criteria: CeGaT Center For Human Genetics Tuebingen Variant Classification Criteria Version 2. Collection method: clinical testing. Allele origin: germline. Affected: yes. Observed: 1 variant allele.
Comment: TH: PM2

Ambry Genetics
Classification: Uncertain significance for Inborn genetic diseases. Last evaluated: 2024-10-25. Review status: criteria provided, single submitter. Criteria: Ambry Variant Classification Scheme 2023. Collection method: clinical testing. Allele origin: germline.

Labcorp Genetics (formerly Invitae), Labcorp
Classification: Uncertain significance for TH-deficient dopa-responsive dystonia. Last evaluated: 2022-06-27. Review status: criteria provided, single submitter. Criteria: Invitae Variant Classification Sherloc (09022015). Collection method: clinical testing. Allele origin: germline.
Comment: This sequence change replaces aspartic acid, which is acidic and polar, with glycine, which is neutral and non-polar, at codon 518 of the TH protein (p.Asp518Gly). This variant is present in population databases (rs773658112, gnomAD 0.005%). This variant has not been reported in the literature in individuals affected with TH-related conditions. Advanced modeling of protein sequence and biophysical properties (such as structural, functional, and spatial information, amino acid conservation, physicochemical variation, residue mobility, and thermodynamic stability) performed at Invitae indicates that this missense variant is not expected to disrupt TH protein function. In summary, the available evidence is currently insufficient to determine the role of this variant in disease. Therefore, it has been classified as a Variant of Uncertain Significance.

NM_000360.4(TH):c.1460A>G (p.Asp487Gly)

Gene: TH (tyrosine hydroxylase; minus strand). Cytogenetic location: 11p15.5.
Variant type: single nucleotide variant.
Coding change: c.1460A>G on transcript NM_000360.4 (MANE Select); coding-DNA position 1460, A replaced by G.
Protein change: p.Asp487Gly; replaces aspartic acid 487 with glycine.
Molecular consequence: missense variant.
Genome position (GRCh38, 1-based): chr11:2,164,267, T>C on the plus strand (A>G on the coding strand, the complement: TH is on the minus strand). VCF-style: chr11-2164267-T-C. GRCh37 (hg19) VCF-style: chr11-2185497-T-C.
Other names: c.1553A>G (NM_199292.2); c.1553A>G, p.Asp518Gly (NM_199292.3); c.1541A>G, p.Asp514Gly (NM_199293.3); short protein forms D518G, D487G, D514G.
Identifiers: ClinVar variation 2195626 (VCV002195626.4), dbSNP rs773658112, ClinGen allele CA5818237.
Genomic context (GRCh38, chr11:2,164,267, plus strand): 5'-GAAGGGCCCTCAGGGACGCCGTGCACCTAGCCAATGGCACTCAGCGCATGGGCAAGGGTG[T>C]CCAGCTCATCCTGGACACCCTCCAGGGAGCGCCGCACGGCCTGGGGGCTGTCCAGCACGT-3'
Protein context (NP_000351.2, residues 477-497): RSLEGVQDEL[Asp487Gly]TLAHALSAIG